The following is an entry in ClinVar:

ClinVar aggregate classification (germline): Pathogenic/Likely pathogenic. Review status: criteria provided, multiple submitters, no conflicts (2 of 4 stars). 10 submissions from 10 submitters: Pathogenic (5); Likely pathogenic (2). 3 of the submissions do not count toward it. Last evaluated 2026-01-27.

Conditions:
Primary hyperoxaluria. Identifiers: Orphanet 416, MedGen C0020501, MONDO:0002474.
Primary hyperoxaluria, type I (HP1). Also called: GLYCOLIC ACIDURIA; HEPATIC AGT DEFICIENCY; OXALOSIS I; Primary hyperoxaluria type 1. Identifiers: Orphanet 416, Orphanet 93598, MedGen C0268164, MONDO:0009823, OMIM 259900. Disease mechanism: loss of function.

Allele frequency attached by ClinVar (database versions not stated): TOPMed 0.00005; gnomAD exomes 0.00006; ExAC 0.00008; gnomAD 0.00005.

Submissions (10):

Natera, Inc.
Classification: Pathogenic for Primary hyperoxaluria type I. Last evaluated: 2026-01-27. Review status: criteria provided, single submitter. Criteria: Natera Variant Classification Schema (03/2026). Collection method: clinical testing. Allele origin: germline.
Comment: The c.697C>T variant in AGXT is a missense variant predicted to cause substitution of arginine to cysteine at amino acid 233. This variant is rare in the general population with a frequency below the threshold expected for the associated phenotype(s). This variant has been observed in one or more individuals affected with the associated recessive disease, as either homozygous or compound heterozygous with a second variant (PMID: 2562908, 33274618). Computational prediction algorithms indicate this variant is likely to affect gene or protein function. Given the available evidence, this variant is classified as Pathogenic.

Labcorp Genetics (formerly Invitae), Labcorp
Classification: Pathogenic. Last evaluated: 2025-12-03. Review status: criteria provided, single submitter. Criteria: Invitae Variant Classification Sherloc (09022015). Collection method: clinical testing. Allele origin: germline.
Comment: This sequence change replaces arginine, which is basic and polar, with cysteine, which is neutral and slightly polar, at codon 233 of the AGXT protein (p.Arg233Cys). This variant is present in population databases (rs121908526, gnomAD 0.04%). This missense change has been observed in individual(s) with primary hyperoxaluria type I (PMID: 9192270, 10862087, 17495019, 18282470, 25629080). ClinVar contains an entry for this variant (Variation ID: 5647). Invitae Evidence Modeling of protein sequence and biophysical properties (such as structural, functional, and spatial information, amino acid conservation, physicochemical variation, residue mobility, and thermodynamic stability) indicates that this missense variant is expected to disrupt AGXT protein function with a positive predictive value of 80%. Experimental studies have shown that this missense change affects AGXT function (PMID: 18448374, 18782763). This variant disrupts the p.Arg233 amino acid residue in AGXT. Other variant(s) that disrupt this residue have been observed in individuals with AGXT-related conditions (PMID: 9192270, 15849466, 17460142, 25629080), which suggests that this may be a clinically significant amino acid residue. For these reasons, this variant has been classified as Pathogenic.

Women's Health and Genetics/Laboratory Corporation of America, LabCorp
Classification: Pathogenic for Primary hyperoxaluria. Last evaluated: 2025-02-14. Review status: criteria provided, single submitter. Criteria: LabCorp Variant Classification Summary - May 2015. Collection method: clinical testing. Allele origin: germline.
Comment: Variant summary: AGXT c.697C>T (p.Arg233Cys) results in a non-conservative amino acid change located in the Aminotransferase class V domain (IPR000192) of the encoded protein sequence. Five of five in-silico tools predict a damaging effect of the variant on protein function. The variant allele was found at a frequency of 5.6e-05 in 251410 control chromosomes. This frequency is not significantly higher than estimated for a pathogenic variant in AGXT causing Primary Hyperoxaluria Type 1 (5.6e-05 vs 0.0024), allowing no conclusion about variant significance. c.697C>T has been reported in the literature in individuals affected with Primary Hyperoxaluria Type 1 (e.g. von Schnakenburg_1997, Coulter-Mackie_2008, Sikora_2020). These data indicate that the variant is likely to be associated with disease. At least one publication reports experimental evidence evaluating an impact on protein function. The most pronounced variant effect results in <1% and 14% of wildtype activity when expressed on the minor and major alleles, respectively (e.g. Williams_2007). Additionally, a different variant affecting the same codon (c.698G>A, p.Arg233His) has been classified as pathogenic in ClinVar by multiple submitters, supporting the critical relevance of codon 233 to AGXT protein function. The following publications have been ascertained in the context of this evaluation (PMID: 9192270, 18282470, 33274618, 17495019). ClinVar contains an entry for this variant (Variation ID: 5647). Based on the evidence outlined above, the variant was classified as pathogenic.

Fulgent Genetics
Classification: Pathogenic for Primary hyperoxaluria, type I. Last evaluated: 2024-06-10. Review status: criteria provided, single submitter. Criteria: ACMG Guidelines, 2015. Collection method: clinical testing. Allele origin: germline.

GeneDx
Classification: Pathogenic. Last evaluated: 2022-09-10. Review status: criteria provided, single submitter. Criteria: GeneDx Variant Classification Process June 2021. Collection method: clinical testing. Allele origin: germline. Affected: yes.
Comment: Published functional studies demonstrate a damaging effect by impairing protein level and in vitro acitivity for both the R233C major allele and the R233C minor allele with the P11L and I340M substitutions, although the in vitro activity and protein levels were lower for the R233C minor allele (Hopper et al., 2008); This variant is associated with the following publications: (PMID: 18782763, 9192270, 17495019, 10862087, 18448374, 20301460, 18282470, 24988064, 25629080, 33274618, 28906061, 31589614)

Myriad Genetics, Inc.
Classification: Likely pathogenic for Primary hyperoxaluria, type I. Last evaluated: 2021-11-03. Review status: criteria provided, single submitter. Criteria: Myriad Women's Health Autosomal Recessive and X-Linked Classification Criteria (2021). Collection method: clinical testing. Allele origin: unknown.
Comment: NM_000030.2(AGXT):c.697C>T(R233C) is a missense variant classified as likely pathogenic in the context of primary hyperoxaluria type 1. R233C has been observed in cases with relevant disease (PMID: 10862087, 18282470, 25629080). Functional assessments of this variant are available in the literature (PMID: 18782763, 17495019, 18448374). Internal structural analysis of the variant is supportive of pathogenicity. R233C has been observed in population frequency databases (gnomAD: AFR 0.04%). In summary, NM_000030.2(AGXT):c.697C>T(R233C) is a missense variant that has internal structural support for pathogenicity and has been observed more frequently in cases with the relevant disease than in healthy populations. Please note: this variant was assessed in the context of healthy population screening.

Juno Genomics, Hangzhou Juno Genomics, Inc
Classification: Likely pathogenic for Primary hyperoxaluria, type I. Review status: criteria provided, single submitter. Criteria: ACMG Guidelines, 2015. Collection method: clinical testing. Allele origin: germline.
Comment: Absent from controls (or at extremely low frequency if recessive) in Genome Aggregation Database.;Multiple lines of computational evidence support a deleterious effect on the gene or gene product.;For recessive disorders, detected in trans with a pathogenic variant.;Patient's phenotype or family history is highly specific for a disease with a single genetic etiology.;Novel missense change at an amino acid residue where a different missense change determined to be pathogenic has been seen before.

Clinical Biochemistry Laboratory, Health Services Laboratory
Classification: Pathogenic for Primary hyperoxaluria, type I. Last evaluated: 2014-11-27. Review status: no assertion criteria provided. Collection method: in vitro. Allele origin: germline. Affected: yes. Not counted in ClinVar's aggregate classification.

OMIM
Classification: Pathogenic for HYPEROXALURIA, PRIMARY, TYPE I. Last evaluated: 1997-06-01. Review status: no assertion criteria provided. Collection method: literature only. Allele origin: germline. Not counted in ClinVar's aggregate classification.

GeneReviews
No classification provided. Condition: Primary hyperoxaluria, type I. Review status: no classification provided. Collection method: literature only. Allele origin: germline. Affected: yes. Not counted in ClinVar's aggregate classification.

Literature cited by the submitters: PubMed 2562908 (cited by Natera, Inc.); PubMed 33274618 (cited by Natera, Inc. and Women's Health and Genetics/Laboratory Corporation of America, LabCorp); PubMed 9192270 (cited by 4 submitters); PubMed 10862087 (cited by Labcorp Genetics (formerly Invitae), Labcorp and Myriad Genetics, Inc.); PubMed 17495019 (cited by 4 submitters); PubMed 18282470 (cited by 3 submitters); PubMed 25629080 (cited by Labcorp Genetics (formerly Invitae), Labcorp and Myriad Genetics, Inc.); PubMed 18448374 (cited by Labcorp Genetics (formerly Invitae), Labcorp and Myriad Genetics, Inc.); PubMed 18782763 (cited by Labcorp Genetics (formerly Invitae), Labcorp and Myriad Genetics, Inc.); PubMed 15849466 (cited by Labcorp Genetics (formerly Invitae), Labcorp); PubMed 17460142 (cited by Labcorp Genetics (formerly Invitae), Labcorp); NCBI Bookshelf NBK1283 (cited by GeneReviews).

NM_000030.3(AGXT):c.697C>T (p.Arg233Cys)

Gene: AGXT (alanine--glyoxylate aminotransferase; plus strand). Cytogenetic location: 2q37.3.
Variant type: single nucleotide variant.
Coding change: c.697C>T on transcript NM_000030.3 (MANE Select); coding-DNA position 697, C replaced by T.
Protein change: p.Arg233Cys; replaces arginine 233 with cysteine.
Molecular consequence: missense variant.
Genome position (GRCh38, 1-based): chr2:240,875,125, C>T. VCF-style: chr2-240875125-C-T. GRCh37 (hg19) VCF-style: chr2-241814542-C-T.
Other names: short protein forms R233C.
Identifiers: ClinVar variation 5647 (VCV000005647.26), dbSNP rs121908526, ClinGen allele CA340446.